The following is an entry in ClinVar:

ClinVar aggregate classification (germline): Conflicting classifications of pathogenicity. Review status: criteria provided, conflicting classifications (1 of 4 stars). 2 submissions from 2 submitters: Uncertain significance (1); Likely benign (1). Last evaluated 2021-06-04.

Conditions:
Inborn genetic diseases. Identifiers: MedGen C0950123, MeSH D030342.

Allele frequency attached by ClinVar (database versions not stated): gnomAD exomes 0.00001; ExAC 0.00002.
gnomAD v4.1: 7 of 1,609,844 alleles (0.00043%); highest among the groups gnomAD compares: Non-Finnish European, 0.00051%; no homozygotes.

Submissions (2):

Ambry Genetics
Classification: Uncertain significance for Inborn genetic diseases. Last evaluated: 2021-06-04. Review status: criteria provided, single submitter. Criteria: Ambry Variant Classification Scheme 2023. Collection method: clinical testing. Allele origin: germline.
Comment: The c.87G>A (p.L29L) alteration is located in exon 2 (coding exon 2) of the NUP188 gene. This alteration consists of a G to A substitution at nucleotide position 87. This nucleotide substitution does not change the amino acid at codon 29. However, this change occurs in the last nucleotide of Exon 2 (c.33_87) which makes it likely to have some effect on normal mRNA splicing. Based on insufficient or conflicting evidence, the clinical significance of this alteration remains unclear.

GeneDx
Classification: Likely benign. Last evaluated: 2018-03-22. Review status: criteria provided, single submitter. Criteria: GeneDx Variant Classification (06012015). Collection method: clinical testing. Allele origin: germline. Affected: yes.
Comment: This variant is considered likely benign or benign based on one or more of the following criteria: it is a conservative change, it occurs at a poorly conserved position in the protein, it is predicted to be benign by multiple in silico algorithms, and/or has population frequency not consistent with disease.

NM_015354.3(NUP188):c.87G>A (p.Leu29=)

Gene: NUP188 (nucleoporin 188; plus strand). Cytogenetic location: 9q34.11.
Variant type: single nucleotide variant.
Coding change: c.87G>A on transcript NM_015354.3 (MANE Select); coding-DNA position 87, G replaced by A.
Protein change: p.Leu29=; no amino-acid change (leucine 29 retained).
Molecular consequence: synonymous variant.
Genome position (GRCh38, 1-based): chr9:128,949,243, G>A. VCF-style: chr9-128949243-G-A. GRCh37 (hg19) VCF-style: chr9-131711522-G-A.
Other names: c.87G>A (NM_015354.1).
Identifiers: ClinVar variation 680441 (VCV000680441.2), dbSNP rs745598716, ClinGen allele CA5271872.